The following is an entry in ClinVar:

ClinVar aggregate classification (germline): Uncertain significance. Review status: criteria provided, multiple submitters, no conflicts (2 of 4 stars). 2 submissions from 2 submitters: Uncertain significance (2). Last evaluated 2025-01-16.

Conditions:
Primary ciliary dyskinesia. Also called: Ciliary dyskinesia. Identifiers: Orphanet 244, MedGen C0008780, MONDO:0016575, HP:0012265.

Allele frequency attached by ClinVar (database versions not stated): TOPMed 0.00004; gnomAD 0.00005; gnomAD exomes below 0.00001 and 0.00002; ExAC 0.00002; ESP Exome Variant Server 0.00008.
gnomAD v4.1: 14 of 1,614,030 alleles (0.00087%); highest among the groups gnomAD compares: African/African-American, 0.015%; no homozygotes.

Submissions (2):

Ambry Genetics
Classification: Uncertain significance for Primary ciliary dyskinesia. Last evaluated: 2025-01-16. Review status: criteria provided, single submitter. Criteria: Ambry Variant Classification Scheme 2023. Collection method: clinical testing. Allele origin: germline.
Comment: The p.L579F variant (also known as c.1737G>C), located in coding exon 11 of the DNAAF1 gene, results from a G to C substitution at nucleotide position 1737. The leucine at codon 579 is replaced by phenylalanine, an amino acid with highly similar properties. This amino acid position is conserved. In addition, this alteration is predicted to be tolerated by in silico analysis. Based on the available evidence, the clinical significance of this variant remains unclear.

Labcorp Genetics (formerly Invitae), Labcorp
Classification: Uncertain significance for Primary ciliary dyskinesia. Last evaluated: 2021-08-31. Review status: criteria provided, single submitter. Criteria: Invitae Variant Classification Sherloc (09022015). Collection method: clinical testing. Allele origin: germline.
Comment: This sequence change replaces leucine with phenylalanine at codon 579 of the DNAAF1 protein (p.Leu579Phe). The leucine residue is moderately conserved and there is a small physicochemical difference between leucine and phenylalanine. This variant is present in population databases (rs148622974, ExAC 0.02%). This variant has not been reported in the literature in individuals affected with DNAAF1-related conditions. Algorithms developed to predict the effect of missense changes on protein structure and function are either unavailable or do not agree on the potential impact of this missense change (SIFT: "Tolerated"; PolyPhen-2: "Possibly Damaging"; Align-GVGD: "Class C0"). In summary, the available evidence is currently insufficient to determine the role of this variant in disease. Therefore, it has been classified as a Variant of Uncertain Significance.

NM_178452.6(DNAAF1):c.1737G>C (p.Leu579Phe)

Gene: DNAAF1 (dynein axonemal assembly factor 1; plus strand). Cytogenetic location: 16q24.1.
Variant type: single nucleotide variant.
Coding change: c.1737G>C on transcript NM_178452.6 (MANE Select); coding-DNA position 1737, G replaced by C.
Protein change: p.Leu579Phe; replaces leucine 579 with phenylalanine.
Molecular consequence: missense variant.
Genome position (GRCh38, 1-based): chr16:84,175,971, G>C. VCF-style: chr16-84175971-G-C. GRCh37 (hg19) VCF-style: chr16-84209577-G-C.
Other names: c.1737G>C (NM_178452.4); c.1029G>C, p.Leu343Phe (NM_001318756.1); short protein forms L343F, L579F.
Identifiers: ClinVar variation 1020389 (VCV001020389.7), dbSNP rs148622974, ClinGen allele CA8203021.